The following is an entry in ClinVar:

NM_020937.4(FANCM):c.4101dup (p.Val1368fs)

Gene: FANCM (FA complementation group M; plus strand). Cytogenetic location: 14q21.2.
Variant type: Duplication.
Coding change: c.4101dup on transcript NM_020937.4 (MANE Select); coding-DNA position 4101, one base duplicated (A; older notation c.4101dupA).
Protein change: p.Val1368fs; shifts the reading frame from valine 1368.
Molecular consequence: frameshift variant.
Genome position (GRCh38, 1-based): chr14:45,176,855, A duplicated; the last of 5 consecutive A bases (chr14:45,176,851-45,176,855); duplicating any one gives the same sequence. VCF-style (leftmost placement, unchanged base first): chr14-45176850-G-GA. GRCh37 (hg19) VCF-style: chr14-45646053-G-GA.
Other names: c.4101dup (NM_020937.2); c.4023dup, p.Val1342fs (NM_001308133.2); short protein forms V1342fs, V1368fs.
Identifiers: ClinVar variation 1439672 (VCV001439672.8), dbSNP rs747974206, ClinGen allele CA7169621.

ClinVar aggregate classification (germline): Pathogenic/Likely pathogenic. Review status: criteria provided, multiple submitters, no conflicts (2 of 4 stars). 2 submissions from 2 submitters: Pathogenic (1); Likely pathogenic (1). Last evaluated 2025-04-11.

Conditions:
Fanconi anemia (FA). Also called: Fanconi's anemia. Identifiers: Orphanet 84, MedGen C0015625, MeSH D005199, MONDO:0019391.

Submissions (2):

GeneDx
Classification: Likely pathogenic. Last evaluated: 2025-04-11. Review status: criteria provided, single submitter. Criteria: GeneDx Variant Classification Process June 2021. Collection method: clinical testing. Allele origin: germline. Affected: yes.
Comment: Frameshift variant predicted to result in protein truncation or nonsense mediated decay in a gene for which loss of function is a known mechanism of disease; Not observed at significant frequency in large population cohorts (gnomAD); Has not been previously published as pathogenic or benign to our knowledge

Labcorp Genetics (formerly Invitae), Labcorp
Classification: Pathogenic for Fanconi anemia. Last evaluated: 2023-10-25. Review status: criteria provided, single submitter. Criteria: Invitae Variant Classification Sherloc (09022015). Collection method: clinical testing. Allele origin: germline.
Comment: This sequence change creates a premature translational stop signal (p.Val1368Serfs*15) in the FANCM gene. It is expected to result in an absent or disrupted protein product. Loss-of-function variants in FANCM are known to be pathogenic (PMID: 29895858, 30075111). This variant is present in population databases (rs747974206, gnomAD 0.002%). This variant has not been reported in the literature in individuals affected with FANCM-related conditions. ClinVar contains an entry for this variant (Variation ID: 1439672). For these reasons, this variant has been classified as Pathogenic.

Literature cited by the submitters: PubMed 29895858 (cited by Labcorp Genetics (formerly Invitae), Labcorp); PubMed 30075111 (cited by Labcorp Genetics (formerly Invitae), Labcorp).